The following is an entry in ClinVar:

NM_004655.4(AXIN2):c.2514A>G (p.Lys838=)

Gene: AXIN2 (axin 2; minus strand). Cytogenetic location: 17q24.1.
Variant type: single nucleotide variant.
Coding change: c.2514A>G on transcript NM_004655.4 (MANE Select); coding-DNA position 2514, A replaced by G.
Protein change: p.Lys838=; no amino-acid change (lysine 838 retained).
Molecular consequence: synonymous variant.
Genome position (GRCh38, 1-based): chr17:65,529,994, T>C on the plus strand (A>G on the coding strand, the complement: AXIN2 is on the minus strand). VCF-style: chr17-65529994-T-C. GRCh37 (hg19) VCF-style: chr17-63526112-T-C.
Other names: c.2319A>G, p.Lys773= (NM_001363813.1).
Identifiers: ClinVar variation 1673465 (VCV001673465.9), dbSNP rs2144390637, ClinGen allele CA501475692.

ClinVar aggregate classification (germline): Benign/Likely benign. Review status: criteria provided, multiple submitters, no conflicts (2 of 4 stars). 2 submissions from 2 submitters: Benign (1); Likely benign (1). Last evaluated 2024-07-11.

Conditions:
Oligodontia-cancer predisposition syndrome. Also called: TOOTH AGENESIS-COLORECTAL CANCER SYNDROME. Identifiers: Orphanet 300576, MedGen C1837750, MONDO:0012075, OMIM 608615. Disease mechanism: loss of function.

Submissions (2):

Myriad Genetics, Inc.
Classification: Benign for Oligodontia-cancer predisposition syndrome. Last evaluated: 2024-07-11. Review status: criteria provided, single submitter. Criteria: Myriad Autosomal Dominant, Autosomal Recessive and X-Linked Classification Criteria (2023). Collection method: clinical testing. Allele origin: unknown.
Comment: This variant is considered benign. This variant is a silent/synonymous amino acid change and it is not expected to impact splicing.

Labcorp Genetics (formerly Invitae), Labcorp
Classification: Likely benign for Oligodontia-cancer predisposition syndrome. Last evaluated: 2021-01-21. Review status: criteria provided, single submitter. Criteria: Invitae Variant Classification Sherloc (09022015). Collection method: clinical testing. Allele origin: germline.